The following is an entry in ClinVar:

NM_005228.5(EGFR):c.2592G>A (p.Ala864=)

Gene: EGFR (epidermal growth factor receptor; plus strand). Cytogenetic location: 7p11.2.
Variant type: single nucleotide variant.
Coding change: c.2592G>A on transcript NM_005228.5 (MANE Select); coding-DNA position 2592, G replaced by A.
Protein change: p.Ala864=; no amino-acid change (alanine 864 retained).
Molecular consequence: synonymous variant.
Genome position (GRCh38, 1-based): chr7:55,191,841, G>A. VCF-style: chr7-55191841-G-A. GRCh37 (hg19) VCF-style: chr7-55259534-G-A.
Other names: c.2457G>A, p.Ala819= (NM_001346897.2, NM_001346899.2); c.2592G>A, p.Ala864= (NM_001346898.2); c.2433G>A, p.Ala811= (NM_001346900.2); c.1791G>A, p.Ala597= (NM_001346941.2); c.2592G>A (NM_005228.4).
Identifiers: ClinVar variation 45288 (VCV000045288.15), dbSNP rs397517131, ClinGen allele CA135943.

ClinVar aggregate classification (germline): Benign/Likely benign. Review status: criteria provided, multiple submitters, no conflicts (2 of 4 stars). 5 submissions from 5 submitters: Benign (2); Likely benign (2). 1 of the submissions does not count toward it. Last evaluated 2025-12-13.

Conditions:
Lung cancer. Also called: Malignant tumor of lung; Lung cancer, somatic. Identifiers: MedGen C0242379, MONDO:0008903, OMIM 211980.
Hereditary cancer-predisposing syndrome. Also called: Hereditary Cancer Syndrome; Hereditary neoplastic syndrome; Neoplastic Syndromes, Hereditary; Tumor predisposition. Identifiers: Orphanet 140162, MedGen C0027672, MeSH D009386, MONDO:0015356.
EGFR-related lung cancer (EGFR). Identifiers: MedGen CN130014.

Allele frequency attached by ClinVar (database versions not stated): gnomAD 0.00002 and 0.00004; TOPMed 0.00002; ExAC 0.00006; gnomAD exomes 0.00006.
gnomAD v4.1: 138 of 1,613,968 alleles (0.0086%); highest among the groups gnomAD compares: South Asian, 0.035%; 1 homozygote.

Submissions (5):

Labcorp Genetics (formerly Invitae), Labcorp
Classification: Likely benign for EGFR-related lung cancer. Last evaluated: 2025-12-13. Review status: criteria provided, single submitter. Criteria: Invitae Variant Classification Sherloc (09022015). Collection method: clinical testing. Allele origin: germline.

KCCC/NGS Laboratory, Kuwait Cancer Control Center
Classification: Benign for Lung cancer. Last evaluated: 2025-02-01. Review status: criteria provided, single submitter. Criteria: ACMG Guidelines, 2015. Collection method: clinical testing. Allele origin: germline. Affected: no.

Myriad Genetics, Inc.
Classification: Benign for Lung cancer. Last evaluated: 2024-10-17. Review status: criteria provided, single submitter. Criteria: Myriad Autosomal Dominant, Autosomal Recessive and X-Linked Classification Criteria (2023). Collection method: clinical testing. Allele origin: unknown.
Comment: This variant is considered benign. This variant is a silent/synonymous amino acid change and it is not expected to impact splicing.

Ambry Genetics
Classification: Likely benign for Hereditary cancer-predisposing syndrome. Last evaluated: 2024-08-21. Review status: criteria provided, single submitter. Criteria: Ambry Variant Classification Scheme 2023. Collection method: clinical testing. Allele origin: germline.

Laboratory for Molecular Medicine, Mass General Brigham Personalized Medicine
Classification: Likely benign. Last evaluated: 2008-03-01. Review status: no assertion criteria provided. Collection method: clinical testing. Allele origin: somatic. Observed: 1 variant allele. Not counted in ClinVar's aggregate classification.